The following is an entry in ClinVar:

NM_001048174.2(MUTYH):c.1487T>C (p.Met496Thr)

Gene: MUTYH (mutY DNA glycosylase; minus strand). Cytogenetic location: 1p34.1.
Variant type: single nucleotide variant.
Coding change: c.1487T>C on transcript NM_001048174.2 (MANE Select); coding-DNA position 1487, T replaced by C.
Protein change: p.Met496Thr; replaces methionine 496 with threonine.
Molecular consequence: missense variant. On other transcripts: non-coding transcript variant (2).
Genome position (GRCh38, 1-based): chr1:45,329,385, A>G on the plus strand (T>C on the coding strand, the complement: MUTYH is on the minus strand). VCF-style: chr1-45329385-A-G. GRCh37 (hg19) VCF-style: chr1-45795057-A-G.
Other names: c.1487T>C, p.Met496Thr (NM_001048171.2, NM_001048173.2, NM_001293195.2); c.1490T>C, p.Met497Thr (NM_001048172.2); c.1571T>C, p.Met524Thr (NM_001128425.2); c.1532T>C, p.Met511Thr (NM_001293190.2); c.1520T>C, p.Met507Thr (NM_001293191.2); c.1211T>C, p.Met404Thr (NM_001293192.2, NM_001293196.2); c.1142T>C, p.Met381Thr (NM_001350650.2, NM_001350651.2); c.1562T>C, p.Met521Thr (NM_012222.3); short protein forms M497T, M381T, M404T, M496T, M507T, M511T, M521T, M524T.
Identifiers: ClinVar variation 819572 (VCV000819572.11), dbSNP rs1570312788, ClinGen allele CA340131754.
Genomic context (GRCh38, chr1:45,329,385, plus strand): 5'-AGGCTGTGTGCATCAGTGGAGATGTGAGACCGAAAGAAATTATCCAGGACTTGCTGGCCC[A>G]TGCGGGGCTTTTTCCGACTGCACGGAGAGGACACCTGGGACCTTTTGGAACCCTGTGAAA-3'
Protein context (NP_001041639.1, residues 486-506): SSPCSRKKPR[Met496Thr]GQQVLDNFFR

ClinVar aggregate classification (germline): Conflicting classifications of pathogenicity. Review status: criteria provided, conflicting classifications (1 of 4 stars). 2 submissions from 2 submitters: Uncertain significance (1); Benign (1). Last evaluated 2025-10-30.

Conditions:
Hereditary cancer-predisposing syndrome. Also called: Tumor predisposition; Hereditary Cancer Syndrome; Hereditary neoplastic syndrome; Neoplastic Syndromes, Hereditary. Identifiers: Orphanet 140162, MedGen C0027672, MeSH D009386, MONDO:0015356.
Familial adenomatous polyposis 2. Also called: FAP type 2; MUTYH Polyposis; COLORECTAL ADENOMATOUS POLYPOSIS, AUTOSOMAL RECESSIVE; ADENOMAS, MULTIPLE COLORECTAL, AUTOSOMAL RECESSIVE; MUTYH-associated polyposis; MUTYH-related attenuated familial adenomatous polyposis. Identifiers: Orphanet 220460, Orphanet 247798, MedGen C3272841, MONDO:0012041, OMIM 608456.

Submissions (2):

Labcorp Genetics (formerly Invitae), Labcorp
Classification: Uncertain significance for Familial adenomatous polyposis 2. Last evaluated: 2025-10-30. Review status: criteria provided, single submitter. Criteria: Invitae Variant Classification Sherloc (09022015). Collection method: clinical testing. Allele origin: germline.
Comment: This sequence change replaces methionine, which is neutral and non-polar, with threonine, which is neutral and polar, at codon 524 of the MUTYH protein (p.Met524Thr). This variant is not present in population databases (gnomAD no frequency). This variant has not been reported in the literature in individuals affected with MUTYH-related conditions. ClinVar contains an entry for this variant (Variation ID: 819572). An algorithm developed to predict the effect of missense changes on protein structure and function (PolyPhen-2) suggests that this variant is likely to be tolerated. In summary, the available evidence is currently insufficient to determine the role of this variant in disease. Therefore, it has been classified as a Variant of Uncertain Significance.

Ambry Genetics
Classification: Benign for Hereditary cancer-predisposing syndrome. Last evaluated: 2025-09-09. Review status: criteria provided, single submitter. Criteria: Ambry Variant Classification Scheme 2023. Collection method: clinical testing. Allele origin: germline.